The following is an entry in ClinVar:

ClinVar aggregate classification (germline): Uncertain significance (0 of 4 stars; one submission).

Conditions:
RERE-related disorder. Also called: RERE-Related Disorders; RERE-related condition. Identifiers: MedGen CN381537.

Submission:

PreventionGenetics, part of Exact Sciences
Classification: Uncertain significance for RERE-related condition. Last evaluated: 2024-08-01. Review status: no assertion criteria provided. Collection method: clinical testing. Allele origin: germline.
Comment: The RERE c.4560G>C variant is predicted to result in the amino acid substitution p.Met1520Ile. To our knowledge, this variant has not been reported in the literature or in a large population database, indicating this variant is rare. At this time, the clinical significance of this variant is uncertain due to the absence of conclusive functional and genetic evidence.

NM_001042681.2(RERE):c.4560G>C (p.Met1520Ile)

Gene: RERE (arginine-glutamic acid dipeptide repeats; minus strand). Cytogenetic location: 1p36.23.
Variant type: single nucleotide variant.
Coding change: c.4560G>C on transcript NM_001042681.2 (MANE Select); coding-DNA position 4560, G replaced by C.
Protein change: p.Met1520Ile; replaces methionine 1520 with isoleucine.
Molecular consequence: missense variant.
Genome position (GRCh38, 1-based): chr1:8,355,526, C>G on the plus strand (G>C on the coding strand, the complement: RERE is on the minus strand). VCF-style: chr1-8355526-C-G. GRCh37 (hg19) VCF-style: chr1-8415586-C-G.
Other names: c.2898G>C, p.Met966Ile (NM_001042682.2); c.4560G>C, p.Met1520Ile (NM_012102.4); short protein forms M1520I, M966I.
Identifiers: ClinVar variation 3347148 (VCV003347148.1).